The following is an entry in ClinVar:

ClinVar aggregate classification (germline): Pathogenic/Likely pathogenic. Review status: criteria provided, multiple submitters, no conflicts (2 of 4 stars). 2 submissions from 2 submitters: Pathogenic (1); Likely pathogenic (1). Last evaluated 2024-11-08.

Conditions:
Usher syndrome. Also called: Usher's syndrome; Usher Syndromes. Identifiers: Orphanet 886, MedGen CN469326, MeSH D052245, MONDO:0019501. Disease mechanism: loss of function.
USH2A-related disorder. Also called: USH2A-related condition; USH2A-related disorders. Identifiers: MedGen CN239332.

gnomAD v4.1: 2 of 1,614,044 alleles (0.00012%); highest among the groups gnomAD compares: Non-Finnish European, 0.00017%; no homozygotes.

Submissions (2):

Women's Health and Genetics/Laboratory Corporation of America, LabCorp
Classification: Pathogenic for Usher syndrome. Last evaluated: 2024-11-08. Review status: criteria provided, single submitter. Criteria: LabCorp Variant Classification Summary - May 2015. Collection method: clinical testing. Allele origin: germline.
Comment: Variant summary: USH2A c.12505A>C (p.Thr4169Pro) results in a non-conservative amino acid change located in the Fibronectin type-III domain (IPR003961) of the encoded protein sequence. Three of five in-silico tools predict a benign effect of the variant on protein function. The variant was absent in 250428 control chromosomes. c.12505A>C has been reported in the literature in multiple individuals affected with Usher Syndrome (example, Mansard_2021). These data indicate that the variant is very likely to be associated with disease. To our knowledge, no experimental evidence demonstrating an impact on protein function has been reported. The following publication has been ascertained in the context of this evaluation (PMID: 34948090). No submitters have cited clinical-significance assessments for this variant to ClinVar. Based on the evidence outlined above, the variant was classified as pathogenic.

Blueprint Genetics
Classification: Likely pathogenic for USH2A-related disorders. Last evaluated: 2019-04-17. Review status: criteria provided, single submitter. Criteria: ACMG Guidelines, 2015. Collection method: clinical testing. Allele origin: germline. Affected: yes. Observed: 3 variant alleles.

Literature cited by the submitters: PubMed 34948090 (cited by Women's Health and Genetics/Laboratory Corporation of America, LabCorp).

NM_206933.4(USH2A):c.12505A>C (p.Thr4169Pro)

Gene: USH2A (usherin; minus strand). Cytogenetic location: 1q41.
Variant type: single nucleotide variant.
Coding change: c.12505A>C on transcript NM_206933.4 (MANE Select); coding-DNA position 12505, A replaced by C.
Protein change: p.Thr4169Pro; replaces threonine 4169 with proline.
Molecular consequence: missense variant.
Genome position (GRCh38, 1-based): chr1:215,675,406, T>G on the plus strand (A>C on the coding strand, the complement: USH2A is on the minus strand). VCF-style: chr1-215675406-T-G. GRCh37 (hg19) VCF-style: chr1-215848748-T-G.
Other names: short protein forms T4169P.
Identifiers: ClinVar variation 3629755 (VCV003629755.2).